The following is an entry in ClinVar:

ClinVar aggregate classification (germline): Pathogenic (1 of 4 stars; one submission).

Conditions:
Deficiency of galactokinase. Also called: GALACTOSEMIA II; Galactokinase deficiency with cataracts. Identifiers: Orphanet 352, Orphanet 79237, MedGen C0268155, MONDO:0009255, OMIM 230200.

Submission:

Myriad Genetics, Inc.
Classification: Pathogenic for Deficiency of galactokinase. Last evaluated: 2026-07-12. Review status: criteria provided, single submitter. Criteria: Myriad Autosomal Dominant, Autosomal Recessive and X-Linked Classification Criteria (2023). Collection method: clinical testing. Allele origin: unknown.
Comment: NM_000154.1(GALK1):c.127delG(E43Nfs*18) is expected to be pathogenic in the context of galactokinase deficiency. This variant is predicted to lead to an abnormal or absent protein product due to the creation of a premature termination codon in GALK1, a gene where loss-of-function variants are known to be pathogenic. Please note: this variant was assessed in the context of healthy population screening.

NM_000154.2(GALK1):c.127del (p.Glu43fs)

Gene: GALK1 (galactokinase 1; minus strand). Cytogenetic location: 17q25.1.
Variant type: Deletion.
Coding change: c.127del on transcript NM_000154.2 (MANE Select); coding-DNA position 127, one base deleted (G; older notation c.127delG).
Protein change: p.Glu43fs; shifts the reading frame from glutamic acid 43.
Molecular consequence: frameshift variant.
Genome position (GRCh38, 1-based): chr17:75,765,010, C deleted on the plus strand (G on the coding strand, the reverse complement: GALK1 is on the minus strand); the first of 4 consecutive C bases (chr17:75,765,010-75,765,013); deleting any one gives the same sequence. VCF-style (leftmost placement, unchanged base first): chr17-75765009-TC-T. GRCh37 (hg19) VCF-style: chr17-73761090-TC-T.
Other names: c.127del, p.Glu43fs (NM_001381985.1); short protein forms E43fs.
Identifiers: ClinVar variation 5016125 (VCV005016125.1).